The following is an entry in ClinVar:

ClinVar aggregate classification (germline): Uncertain significance (1 of 4 stars; one submission).

gnomAD v4.1: 10 of 1,614,106 alleles (0.00062%); highest among the groups gnomAD compares: Non-Finnish European, 0.00085%; no homozygotes.

Submission:

Ambry Genetics
Classification: Uncertain significance. Last evaluated: 2022-08-06. Review status: criteria provided, single submitter. Criteria: Ambry Variant Classification Scheme 2023. Collection method: clinical testing. Allele origin: germline.
Comment: The p.T1652I variant (also known as c.4955C>T), located in coding exon 4 of the ALPK2 gene, results from a C to T substitution at nucleotide position 4955. The threonine at codon 1652 is replaced by isoleucine, an amino acid with similar properties. This amino acid position is conserved. In addition, this alteration is predicted to be tolerated by in silico analysis. Since supporting evidence is limited at this time, the clinical significance of this alteration remains unclear.

NM_052947.4(ALPK2):c.4955C>T (p.Thr1652Ile)

Gene: ALPK2 (alpha kinase 2; minus strand). Cytogenetic location: 18q21.31.
Variant type: single nucleotide variant.
Coding change: c.4955C>T on transcript NM_052947.4 (MANE Select); coding-DNA position 4955, C replaced by T.
Protein change: p.Thr1652Ile; replaces threonine 1652 with isoleucine.
Molecular consequence: missense variant.
Genome position (GRCh38, 1-based): chr18:58,535,232, G>A on the plus strand (C>T on the coding strand, the complement: ALPK2 is on the minus strand). VCF-style: chr18-58535232-G-A. GRCh37 (hg19) VCF-style: chr18-56202464-G-A.
Other names: short protein forms T1652I.
Identifiers: ClinVar variation 1744350 (VCV001744350.2), dbSNP rs1336258569, ClinGen allele CA402559175.
Genomic context (GRCh38, chr18:58,535,232, plus strand): 5'-GGATCCTGCAGTAATTTAGGGGCTTTCTCTAACTCACGTTCTCCTGAAATAAATGCCAAG[G>A]TCTTCGCTGAGGAGCTAGATGAGCTTGGGGGTTTGGTTTCCCCAATTTGAAGCACCTCTA-3'
Protein context (NP_443179.3, residues 1642-1662): PPSSSSSSAK[Thr1652Ile]LAFISGEREL